The following is an entry in ClinVar:

ClinVar aggregate classification (germline): Pathogenic/Likely pathogenic. Review status: criteria provided, multiple submitters, no conflicts (2 of 4 stars). 3 submissions from 3 submitters: Pathogenic (2); Likely pathogenic (1). Last evaluated 2023-09-14.

Conditions:
Familial cancer of breast. Also called: hereditary breast carcinoma; BREAST CANCER, FAMILIAL; Hereditary breast cancer. Identifiers: Orphanet 227535, MedGen C0346153, MONDO:0016419, OMIM 114480. Disease mechanism: loss of function.
Breast cancer, susceptibility to. Identifiers: MedGen C3469522. Disease mechanism: gain of function.
Pancreatic cancer, susceptibility to, 3. Identifiers: Orphanet 1333, MedGen C3150547, MONDO:0013236, OMIM 613348.
Hereditary cancer-predisposing syndrome. Also called: Neoplastic Syndromes, Hereditary; Hereditary Cancer Syndrome; Tumor predisposition; Hereditary neoplastic syndrome. Identifiers: Orphanet 140162, MedGen C0027672, MeSH D009386, MONDO:0015356.

Submissions (3):

Myriad Genetics, Inc.
Classification: Pathogenic for Familial cancer of breast. Last evaluated: 2023-09-14. Review status: criteria provided, single submitter. Criteria: Myriad Autosomal Dominant, Autosomal Recessive and X-Linked Classification Criteria (2023). Collection method: clinical testing. Allele origin: unknown.
Comment: This variant is considered pathogenic. This variant creates a frameshift predicted to result in premature protein truncation.

Human Genome Sequencing Center Clinical Lab, Baylor College of Medicine
Classification: Likely pathogenic for Susceptibility to breast cancer; Pancreatic cancer susceptibility 3. Last evaluated: 2018-10-12. Review status: criteria provided, single submitter. Criteria: ACMG Guidelines, 2015. Collection method: clinical testing. Allele origin: germline.
Comment: This c.2974_2795del (p.Met992Aspfs*18) frameshift variant in the PALB2 gene is predicted to introduce a premature translation termination codon. This variant has never been reported before. Mono-allelic loss of function variants in the PALB2 gene is known to be associated with susceptibility to breast cancer and pancreatic cancer. Bi-allelic loss of function variants in this gene are associated with Fanconi anemia, complementation group N (OMIM 610832). Therefore, this c.2974_2795del (p.Met992Aspfs*18) variant in the PALB2 gene is classified as likely pathogenic.

Ambry Genetics
Classification: Pathogenic for Hereditary cancer-predisposing syndrome. Last evaluated: 2016-03-01. Review status: criteria provided, single submitter. Criteria: Ambry Variant Classification Scheme 2023. Collection method: clinical testing. Allele origin: germline.
Comment: The c.2974_2975delAT pathogenic mutation, located in coding exon 9 of the PALB2 gene, results from a deletion of two nucleotides between nucleotide positions 2974 and 2975, causing a translational frameshift with a predicted alternate stop codon. Since frameshifts are typically deleterious in nature, this alteration is interpreted as a disease-causing mutation (ACMG Recommendations for Standards for Interpretation and Reporting of Sequence Variations. Revision 2007. Genet Med. 2008;10:294).

NM_024675.4(PALB2):c.2974_2975del (p.Met992fs)

Gene: PALB2 (partner and localizer of BRCA2; minus strand). Cytogenetic location: 16p12.2.
Variant type: Deletion.
Coding change: c.2974_2975del on transcript NM_024675.4 (MANE Select); coding-DNA positions 2974 to 2975, 2 bases deleted (AT; older notation c.2974_2975delAT).
Protein change: p.Met992fs; shifts the reading frame from methionine 992.
Molecular consequence: frameshift variant.
Genome position (GRCh38, 1-based): chr16:23,622,990-23,622,991, AT deleted on the plus strand (AT on the coding strand, the reverse complement: PALB2 is on the minus strand). VCF-style (leftmost placement, unchanged base first): chr16-23622989-CAT-C. GRCh37 (hg19) VCF-style: chr16-23634310-CAT-C.
Other names: short protein forms M992fs.
Identifiers: ClinVar variation 979078 (VCV000979078.4), dbSNP rs1966798806, ClinGen allele CA1139664576.